The following is an entry in ClinVar:

ClinVar aggregate classification (germline): Likely pathogenic (1 of 4 stars; one submission).

Conditions:
Nemaline myopathy 2 (NEM2). Also called: Nemaline myopathy 2, autosomal recessive. Identifiers: MedGen C1850569, MONDO:0009725, OMIM 256030.

Submission:

Myriad Genetics, Inc.
Classification: Likely pathogenic for Nemaline myopathy 2. Last evaluated: 2022-02-17. Review status: criteria provided, single submitter. Criteria: Myriad Women's Health Autosomal Recessive and X-Linked Classification Criteria (2021). Collection method: clinical testing. Allele origin: unknown.
Comment: NM_001271208.1(NEB):c.8834_8835delTG(V2945Dfs*2) is expected to be pathogenic in the context of NEB-related nemaline myopathy. This variant is predicted to lead to an abnormal or absent protein product due to the creation of a premature termination codon in NEB, a gene where loss-of-function variants are known to be pathogenic. Please note: this variant was assessed in the context of healthy population screening.

NM_001164508.2(NEB):c.8834_8835del (p.Val2945fs)

Gene: NEB (nebulin; minus strand). Cytogenetic location: 2q23.3.
Variant type: Microsatellite.
Coding change: c.8834_8835del on transcript NM_001164508.2 (MANE Select); coding-DNA positions 8834 to 8835, 2 bases deleted (TG; older notation c.8834_8835delTG).
Protein change: p.Val2945fs; shifts the reading frame from valine 2945.
Molecular consequence: frameshift variant.
Genome position (GRCh38, 1-based): chr2:151,639,911-151,639,912, CA deleted on the plus strand (TG on the coding strand, the reverse complement: NEB is on the minus strand); deleting any 2 consecutive bases within chr2:151,639,911-151,639,915 gives the same sequence; the c. name uses the placement nearest the transcript's 3' end. VCF-style (leftmost placement, unchanged base first): chr2-151639910-TCA-T. GRCh37 (hg19) VCF-style: chr2-152496424-TCA-T.
Other names: c.8834_8835del, p.Val2945fs (NM_001164507.2, NM_001271208.2, NM_004543.5); short protein forms V2945fs.
Identifiers: ClinVar variation 1724470 (VCV001724470.2), dbSNP rs2552243408, ClinGen allele CA2580614360.
Genomic context (GRCh38, chr2:151,639,910, plus strand): 5'-GTCTCACCTTGTTCATAGTGATGGCATTATTTTTGGCCAACACTTGTTCCAGAGAGTCAG[TCA>T]CACTGGTAAATTTGAATCTGTCTGGAGGCTGGCGATAGATTTTATCACTCAAAATTTCAG-3'